The following is an entry in ClinVar:

ClinVar aggregate classification (germline): Likely benign. Review status: criteria provided, single submitter (1 of 4 stars). 2 submissions from 2 submitters: Likely benign (1). 1 of the submissions does not count toward it. Last evaluated 2022-07-20.

Conditions:
MATR3-related disorder. Also called: MATR3-related condition.
Amyotrophic lateral sclerosis type 21. Also called: VOCAL CORD AND PHARYNGEAL DYSFUNCTION WITH DISTAL MYOPATHY; MYOPATHY, DISTAL, 2. Identifiers: Orphanet 600, Orphanet 803, MedGen C3807521, MONDO:0011632, OMIM 606070.

Allele frequency attached by ClinVar (database versions not stated): gnomAD 0.00001; TOPMed 0.00001.
gnomAD v4.1: 1 of 1,614,022 alleles (0.000062%); highest among the groups gnomAD compares: African/African-American, 0.0013%; no homozygotes.

Submissions (2):

Labcorp Genetics (formerly Invitae), Labcorp
Classification: Likely benign for Amyotrophic lateral sclerosis type 21. Last evaluated: 2022-07-20. Review status: criteria provided, single submitter. Criteria: Invitae Variant Classification Sherloc (09022015). Collection method: clinical testing. Allele origin: germline.

PreventionGenetics, part of Exact Sciences
Classification: Likely benign for MATR3-related condition. Last evaluated: 2023-10-03. Review status: no assertion criteria provided. Collection method: clinical testing. Allele origin: germline. Not counted in ClinVar's aggregate classification.
Comment: This variant is classified as likely benign based on ACMG/AMP sequence variant interpretation guidelines (Richards et al. 2015 PMID: 25741868, with internal and published modifications).

NM_018834.6(MATR3):c.420A>G (p.Gln140=)

Gene: MATR3 (matrin 3; plus strand). Cytogenetic location: 5q31.2.
Variant type: single nucleotide variant.
Coding change: c.420A>G on transcript NM_018834.6 (MANE Select); coding-DNA position 420, A replaced by G.
Protein change: p.Gln140=; no amino-acid change (glutamine 140 retained).
Molecular consequence: synonymous variant. On other transcripts: intron variant (11).
Genome position (GRCh38, 1-based): chr5:139,307,835, A>G. VCF-style: chr5-139307835-A-G. GRCh37 (hg19) VCF-style: chr5-138643524-A-G.
Other names: c.420A>G (NM_199189.2); c.420A>G, p.Gln140= (NM_001194954.2, NM_001194955.2, NM_001400441.1 and 16 more transcripts); c.52-6840A>G (NM_001400459.1); c.-102-6840A>G (NM_001400463.1, NM_001400460.1, NM_001282278.2 and 3 more transcripts); c.-40-7862A>G (NM_001400462.1, NM_001400467.1); c.13-6840A>G (NM_001400461.1); c.49-6840A>G (NM_001194956.2).
Identifiers: ClinVar variation 2154284 (VCV002154284.6), dbSNP rs1436744169, ClinGen allele CA446829480.